The following is an entry in ClinVar:

ClinVar aggregate classification (germline): Uncertain significance (1 of 4 stars; one submission).

Submission:

Labcorp Genetics (formerly Invitae), Labcorp
Classification: Uncertain significance. Last evaluated: 2025-01-07. Review status: criteria provided, single submitter. Criteria: Invitae Variant Classification Sherloc (09022015). Collection method: clinical testing. Allele origin: germline.
Comment: This sequence change replaces leucine, which is neutral and non-polar, with phenylalanine, which is neutral and non-polar, at codon 527 of the CLCN7 protein (p.Leu527Phe). This variant is not present in population databases (gnomAD no frequency). This variant has not been reported in the literature in individuals affected with CLCN7-related conditions. ClinVar contains an entry for this variant (Variation ID: 2708577). An algorithm developed to predict the effect of missense changes on protein structure and function (PolyPhen-2) suggests that this variant is likely to be disruptive. In summary, the available evidence is currently insufficient to determine the role of this variant in disease. Therefore, it has been classified as a Variant of Uncertain Significance.

NM_001287.6(CLCN7):c.1579C>T (p.Leu527Phe)

Gene: CLCN7 (chloride voltage-gated channel 7; minus strand). Cytogenetic location: 16p13.3.
Variant type: single nucleotide variant.
Coding change: c.1579C>T on transcript NM_001287.6 (MANE Select); coding-DNA position 1579, C replaced by T.
Protein change: p.Leu527Phe; replaces leucine 527 with phenylalanine.
Molecular consequence: missense variant.
Genome position (GRCh38, 1-based): chr16:1,450,535, G>A on the plus strand (C>T on the coding strand, the complement: CLCN7 is on the minus strand). VCF-style: chr16-1450535-G-A. GRCh37 (hg19) VCF-style: chr16-1500536-G-A.
Other names: c.1507C>T, p.Leu503Phe (NM_001114331.3); short protein forms L503F, L527F.
Identifiers: ClinVar variation 2708577 (VCV002708577.3), dbSNP rs2505819289, ClinGen allele CA394187465.